The following is an entry in ClinVar:

NM_000349.3(STAR):c.650+2T>A

Gene: STAR (steroidogenic acute regulatory protein; minus strand). Cytogenetic location: 8p11.23.
Variant type: single nucleotide variant.
Coding change: c.650+2T>A on transcript NM_000349.3 (MANE Select); the canonical splice donor site of the intron after coding-DNA position 650, T replaced by A.
Molecular consequence: splice donor variant.
Genome position (GRCh38, 1-based): chr8:38,145,961, A>T on the plus strand (T>A on the coding strand, the complement: STAR is on the minus strand). VCF-style: chr8-38145961-A-T. GRCh37 (hg19) VCF-style: chr8-38003479-A-T.
Identifiers: ClinVar variation 1345686 (VCV001345686.6), dbSNP rs779412613, ClinGen allele CA4715200.
Genomic context (GRCh38, chr8:38,145,961, plus strand): 5'-TGGGTGCACACCTGCAGGCCTGTGTTAGAAGAGGGGGGTTTGGAGCCTGCTGCCCGTATT[A>T]CCTGATGACACCCTTCTGCTCAGGCATGTTCCCGAAGTCTGTGGCCATGCCAGCCAGCAC-3'

ClinVar aggregate classification (germline): Likely pathogenic (1 of 4 stars; one submission).

Allele frequency attached by ClinVar (database versions not stated): gnomAD exomes below 0.00001; ExAC 0.00001.
gnomAD v4.1: 1 of 1,613,638 alleles (0.000062%); no homozygotes.

Submission:

Labcorp Genetics (formerly Invitae), Labcorp
Classification: Likely pathogenic. Last evaluated: 2021-07-13. Review status: criteria provided, single submitter. Criteria: Invitae Variant Classification Sherloc (09022015). Collection method: clinical testing. Allele origin: germline.
Comment: In summary, the currently available evidence indicates that the variant is pathogenic, but additional data are needed to prove that conclusively. Therefore, this variant has been classified as Likely Pathogenic. This sequence change affects a donor splice site in intron 5 of the STAR gene. It is expected to disrupt RNA splicing. Variants that disrupt the donor or acceptor splice site typically lead to a loss of protein function (PMID: 16199547), and loss-of-function variants in STAR are known to be pathogenic (PMID: 8948562). This variant is present in population databases (rs779412613, ExAC 0.002%). This variant has not been reported in the literature in individuals affected with STAR-related conditions. Algorithms developed to predict the effect of sequence changes on RNA splicing suggest that this variant may disrupt the consensus splice site.

Literature cited by the submitters: PubMed 16199547; PubMed 8948562.